The following is an entry in ClinVar:

NM_001111.5(ADAR):c.3360G>C (p.Lys1120Asn)

Gene: ADAR (adenosine deaminase RNA specific; minus strand). Cytogenetic location: 1q21.3.
Variant type: single nucleotide variant.
Coding change: c.3360G>C on transcript NM_001111.5 (MANE Select); coding-DNA position 3360, G replaced by C.
Protein change: p.Lys1120Asn; replaces lysine 1120 with asparagine.
Molecular consequence: missense variant.
Genome position (GRCh38, 1-based): chr1:154,585,300, C>G on the plus strand (G>C on the coding strand, the complement: ADAR is on the minus strand). VCF-style: chr1-154585300-C-G. GRCh37 (hg19) VCF-style: chr1-154557776-C-G.
Other names: c.2475G>C, p.Lys825Asn (NM_001193495.2, NM_001365046.1, NM_001365047.1 and 2 more transcripts); c.3387G>C, p.Lys1129Asn (NM_001365045.1); c.2397G>C, p.Lys799Asn (NM_001365049.1); c.3282G>C, p.Lys1094Asn (NM_015840.4); c.3225G>C, p.Lys1075Asn (NM_015841.4); short protein forms K1075N, K1129N, K1094N, K799N, K1120N, K825N.
Identifiers: ClinVar variation 1467570 (VCV001467570.8), dbSNP rs1696677352, ClinGen allele CA342635139.

ClinVar aggregate classification (germline): Uncertain significance (1 of 4 stars; one submission).

Conditions:
Symmetrical dyschromatosis of extremities (DSH). Also called: RETICULATE ACROPIGMENTATION OF DOHI; DYSCHROMATOSIS SYMMETRICA HEREDITARIA 1; SYMMETRIC DYSCHROMATOSIS OF THE EXTREMITIES; Dyschromatosis symmetrica hereditaria. Identifiers: Orphanet 41, MedGen C0406775, MONDO:0007483, OMIM 127400.
Aicardi-Goutieres syndrome 6 (AGS6). Identifiers: Orphanet 51, MedGen C3539013, MONDO:0014007, OMIM 615010.

Submission:

Labcorp Genetics (formerly Invitae), Labcorp
Classification: Uncertain significance for Aicardi-Goutieres syndrome 6; Symmetrical dyschromatosis of extremities. Last evaluated: 2023-06-13. Review status: criteria provided, single submitter. Criteria: Invitae Variant Classification Sherloc (09022015). Collection method: clinical testing. Allele origin: germline.
Comment: This variant is not present in population databases (gnomAD no frequency). In summary, the available evidence is currently insufficient to determine the role of this variant in disease. Therefore, it has been classified as a Variant of Uncertain Significance. Advanced modeling of protein sequence and biophysical properties (such as structural, functional, and spatial information, amino acid conservation, physicochemical variation, residue mobility, and thermodynamic stability) performed at Invitae indicates that this missense variant is not expected to disrupt ADAR protein function. ClinVar contains an entry for this variant (Variation ID: 1467570). This variant has not been reported in the literature in individuals affected with ADAR-related conditions. This sequence change replaces lysine, which is basic and polar, with asparagine, which is neutral and polar, at codon 1120 of the ADAR protein (p.Lys1120Asn).